The following is an entry in ClinVar:

ClinVar aggregate classification (germline): Benign. Review status: criteria provided, multiple submitters, no conflicts (2 of 4 stars). 8 submissions from 8 submitters: Benign (8). Last evaluated 2026-02-01.

Conditions:
Charcot-Marie-Tooth disease. Also called: Charcot-Marie-Tooth Neuropathy; Charcot-Marie-Tooth Hereditary Neuropathy. Identifiers: Orphanet 166, MedGen C0007959, MONDO:0015626.
Charcot-Marie-Tooth disease axonal type 2S. Also called: CHARCOT-MARIE-TOOTH NEUROPATHY, TYPE 2S; CHARCOT-MARIE-TOOTH DISEASE, AXONAL, AUTOSOMAL RECESSIVE, TYPE 2S. Identifiers: Orphanet 443073, MedGen C4015349, MONDO:0014511, OMIM 616155.
Autosomal recessive distal spinal muscular atrophy 1. Also called: NEURONOPATHY, DISTAL HEREDITARY MOTOR, HARDING TYPE VI; NEUROPATHY, DISTAL HEREDITARY MOTOR, AUTOSOMAL RECESSIVE 1; SEVERE INFANTILE AXONAL NEUROPATHY WITH RESPIRATORY FAILURE; SPINAL MUSCULAR ATROPHY, DIAPHRAGMATIC; HMN VI; Spinal muscular atrophy with respiratory distress 1. Identifiers: Orphanet 98920, MedGen C1858517, MONDO:0011436, OMIM 604320.

Allele frequency attached by ClinVar (database versions not stated): gnomAD exomes 0.00258; ExAC 0.00348; gnomAD 0.01008 and 0.01079; 1000 Genomes Project 0.01058; 1000 Genomes Project 30x 0.01062; TOPMed 0.01136; ESP Exome Variant Server 0.01153.
gnomAD v4.1: 3,101 of 1,603,332 alleles (0.19%); highest among the groups gnomAD compares: African/African-American, 3.6%; 63 homozygotes.

Submissions (8):

Labcorp Genetics (formerly Invitae), Labcorp
Classification: Benign for Autosomal recessive distal spinal muscular atrophy 1; Charcot-Marie-Tooth disease axonal type 2S. Last evaluated: 2026-02-01. Review status: criteria provided, single submitter. Criteria: Invitae Variant Classification Sherloc (09022015). Collection method: clinical testing. Allele origin: germline.

ARUP Laboratories, Molecular Genetics and Genomics, ARUP Laboratories
Classification: Benign. Last evaluated: 2025-05-22. Review status: criteria provided, single submitter. Criteria: ARUP Molecular Germline Variant Investigation Process 2024. Collection method: clinical testing. Allele origin: germline.

Illumina Laboratory Services, Illumina
Classification: Benign for Autosomal recessive distal spinal muscular atrophy 1. Last evaluated: 2018-01-13. Review status: criteria provided, single submitter. Criteria: ICSL Variant Classification Criteria 13 December 2019. Collection method: clinical testing. Allele origin: germline.
Comment: This variant was observed in the ICSL laboratory as part of a predisposition screen in an ostensibly healthy population. It had not been previously curated by ICSL or reported in the Human Gene Mutation Database (HGMD: prior to June 1st, 2018), and was therefore a candidate for classification through an automated scoring system. Utilizing variant allele frequency, disease prevalence and penetrance estimates, and inheritance mode, an automated score was calculated to assess if this variant is too frequent to cause the disease. Based on the score and internal cut-off values, a variant classified as benign is not then subjected to further curation. The score for this variant resulted in a classification of benign for this disease.

GeneDx
Classification: Benign. Last evaluated: 2015-09-28. Review status: criteria provided, single submitter. Criteria: GeneDx Variant Classification (06012015). Collection method: clinical testing. Allele origin: germline. Affected: yes.
Comment: This variant is considered likely benign or benign based on one or more of the following criteria: it is a conservative change, it occurs at a poorly conserved position in the protein, it is predicted to be benign by multiple in silico algorithms, and/or has population frequency not consistent with disease.

Eurofins Ntd Llc (ga)
Classification: Benign. Last evaluated: 2014-12-09. Review status: criteria provided, single submitter. Criteria: EGL Classification Definitions 2015. Collection method: clinical testing. Allele origin: germline. Observed: 1 variant allele, 1 heterozygote.

Breakthrough Genomics
Classification: Benign. Review status: criteria provided, single submitter. Criteria: ACMG Guidelines, 2015. Collection method: not provided. Allele origin: germline. Inheritance: Autosomal recessive inheritance. Affected: yes.

Molecular Genetics Laboratory, London Health Sciences Centre
Classification: Benign for Charcot-Marie-Tooth disease. Review status: criteria provided, single submitter. Criteria: ACMG Guidelines, 2015. Collection method: clinical testing. Allele origin: germline. Affected: yes.

PreventionGenetics, part of Exact Sciences
Classification: Benign. Review status: criteria provided, single submitter. Criteria: ACMG Guidelines, 2015. Collection method: clinical testing. Allele origin: germline.

NM_002180.3(IGHMBP2):c.2439G>A (p.Ala813=)

Gene: IGHMBP2 (immunoglobulin mu DNA binding protein 2; plus strand). Cytogenetic location: 11q13.3.
Variant type: single nucleotide variant.
Coding change: c.2439G>A on transcript NM_002180.3 (MANE Select); coding-DNA position 2439, G replaced by A.
Protein change: p.Ala813=; no amino-acid change (alanine 813 retained).
Molecular consequence: synonymous variant.
Genome position (GRCh38, 1-based): chr11:68,936,919, G>A. VCF-style: chr11-68936919-G-A. GRCh37 (hg19) VCF-style: chr11-68704387-G-A.
Identifiers: ClinVar variation 194204 (VCV000194204.32), dbSNP rs624147, ClinGen allele CA201024.